The following is an entry in ClinVar:

ClinVar aggregate classification (germline): Uncertain significance (1 of 4 stars; one submission).

Submission:

GeneDx
Classification: Uncertain significance. Last evaluated: 2025-06-11. Review status: criteria provided, single submitter. Criteria: GeneDx Variant Classification Process June 2021. Collection method: clinical testing. Allele origin: germline. Affected: yes.
Comment: In silico analysis supports that this missense variant has a deleterious effect on protein structure/function; Has not been previously published as pathogenic or benign to our knowledge

NM_001123385.2(BCOR):c.2852A>C (p.Asp951Ala)

Gene: BCOR (BCL6 corepressor; minus strand). Cytogenetic location: Xp11.4.
Variant type: single nucleotide variant.
Coding change: c.2852A>C on transcript NM_001123385.2 (MANE Select); coding-DNA position 2852, A replaced by C.
Protein change: p.Asp951Ala; replaces aspartic acid 951 with alanine.
Molecular consequence: missense variant.
Genome position (GRCh38, 1-based): chrX:40,072,494, T>G on the plus strand (A>C on the coding strand, the complement: BCOR is on the minus strand). VCF-style: chrX-40072494-T-G. GRCh37 (hg19) VCF-style: chrX-39931747-T-G.
Other names: c.2852A>C, p.Asp951Ala (NM_001123383.2, NM_001123384.2, NM_001437510.1 and 4 more transcripts); short protein forms D951A.
Identifiers: ClinVar variation 4537730 (VCV004537730.1).